The following is an entry in ClinVar:

NM_001190274.2(FBXO11):c.1168T>C (p.Cys390Arg)

Gene: FBXO11 (F-box protein 11; minus strand). Cytogenetic location: 2p16.3.
Variant type: single nucleotide variant.
Coding change: c.1168T>C on transcript NM_001190274.2 (MANE Select); coding-DNA position 1168, T replaced by C.
Protein change: p.Cys390Arg; replaces cysteine 390 with arginine.
Molecular consequence: missense variant.
Genome position (GRCh38, 1-based): chr2:47,832,664, A>G on the plus strand (T>C on the coding strand, the complement: FBXO11 is on the minus strand). VCF-style: chr2-47832664-A-G. GRCh37 (hg19) VCF-style: chr2-48059803-A-G.
Other names: c.916T>C, p.Cys306Arg (NM_001374325.1, NM_025133.4); short protein forms C306R, C390R.
Identifiers: ClinVar variation 5003074 (VCV005003074.1).

ClinVar aggregate classification (germline): Uncertain significance (1 of 4 stars; one submission).

Conditions:
Intellectual developmental disorder with dysmorphic facies and behavioral abnormalities. Identifiers: MedGen C4748135, MONDO:0060760, OMIM 618089.

Submission:

OLLIN Analises Genomicas, OLLIN
Classification: Uncertain significance for Intellectual developmental disorder with dysmorphic facies and behavioral abnormalities. Last evaluated: 2026-08-06. Review status: criteria provided, single submitter. Criteria: ACMG Guidelines 2015 PMID 25741868. Collection method: clinical testing. Allele origin: germline. Inheritance: Autosomal dominant inheritance.
Comment: This missense variant, located in exon 10 (of 23), is absent from gnomAD and ClinVar and has not been identified in the literature. In silico analysis predicts that this variant has a deleterious effect. This gene is constrained for missense variation. According to the currently available evidence, this variant has been classified as uncertain significance (PM2_P, PP2, PP3).